The following is an entry in ClinVar:

NM_000255.4(MMUT):c.959C>T (p.Ala320Val)

Gene: MMUT (methylmalonyl-CoA mutase; minus strand). Cytogenetic location: 6p12.3.
Variant type: single nucleotide variant.
Coding change: c.959C>T on transcript NM_000255.4 (MANE Select); coding-DNA position 959, C replaced by T.
Protein change: p.Ala320Val; replaces alanine 320 with valine.
Molecular consequence: missense variant.
Genome position (GRCh38, 1-based): chr6:49,453,709, G>A on the plus strand (C>T on the coding strand, the complement: MMUT is on the minus strand). VCF-style: chr6-49453709-G-A. GRCh37 (hg19) VCF-style: chr6-49421422-G-A.
Other names: short protein forms A320V.
Identifiers: ClinVar variation 802223 (VCV000802223.3), dbSNP rs1581832011, ClinGen allele CA364400846.
Genomic context (GRCh38, chr6:49,453,709, plus strand): 5'-TTAGGCTGAAACATTTTCTCTATTAAGTGAGCCCAGAGTCTTCTACCAGCTCTCATCTTT[G>A]CTATTTCCATATAGAAATTCATTCCAATTCCCCAGAAGAAAGACAACCTAAAATAGTAAC-3'
Protein context (NP_000246.2, residues 310-330): GIGMNFYMEI[Ala320Val]KMRAGRRLWA

ClinVar aggregate classification (germline): Conflicting classifications of pathogenicity. Review status: criteria provided, conflicting classifications (1 of 4 stars). 2 submissions from 2 submitters: Likely pathogenic (1); Uncertain significance (1). Last evaluated 2025-12-09.

Conditions:
Methylmalonic aciduria due to methylmalonyl-CoA mutase deficiency (MAMM). Also called: Methylmalonic aciduria, mut type. Identifiers: Orphanet 27, MedGen C1855114, MONDO:0009612, OMIM 251000.

Allele frequency attached by ClinVar (database versions not stated): gnomAD exomes below 0.00001.
gnomAD v4.1: 2 of 1,613,174 alleles (0.00012%); highest among the groups gnomAD compares: Non-Finnish European, 0.000085%; no homozygotes.

Submissions (2):

Dasa
Classification: Uncertain significance. Last evaluated: 2025-12-09. Review status: criteria provided, single submitter. Criteria: DASA Assertion Criteria. Collection method: clinical testing. Allele origin: germline.
Comment: NM_000255.4(MMUT):c.959C>T (p.Ala320Val) is a missense variant that results in the substitution of alanine with valine. This variant is rare in population databases. Computational prediction algorithms are consistent with a deleterious effect. The currently available literature and clinical evidence are not sufficient to establish a definitive association between this variant and the reported condition. Therefore, this variant is classified as a variant of uncertain significance.

Mendelics
Classification: Likely pathogenic for Methylmalonic aciduria due to methylmalonyl-CoA mutase deficiency. Last evaluated: 2019-05-28. Review status: criteria provided, single submitter. Criteria: Mendelics Assertion Criteria 2017. Collection method: clinical testing. Allele origin: unknown.